The following is an entry in ClinVar:

ClinVar aggregate classification (germline): Uncertain significance (1 of 4 stars; one submission).

Allele frequency attached by ClinVar (database versions not stated): gnomAD 0.00001; TOPMed 0.00001; ExAC 0.00002; gnomAD exomes 0.00002.

Submission:

Labcorp Genetics (formerly Invitae), Labcorp
Classification: Uncertain significance. Last evaluated: 2022-09-12. Review status: criteria provided, single submitter. Criteria: Invitae Variant Classification Sherloc (09022015). Collection method: clinical testing. Allele origin: germline.
Comment: In summary, the available evidence is currently insufficient to determine the role of this variant in disease. Therefore, it has been classified as a Variant of Uncertain Significance. Advanced modeling of protein sequence and biophysical properties (such as structural, functional, and spatial information, amino acid conservation, physicochemical variation, residue mobility, and thermodynamic stability) performed at Invitae indicates that this missense variant is expected to disrupt GFM2 protein function. This variant has not been reported in the literature in individuals affected with GFM2-related conditions. This variant is present in population databases (rs766244410, gnomAD 0.01%). This sequence change replaces arginine, which is basic and polar, with cysteine, which is neutral and slightly polar, at codon 71 of the GFM2 protein (p.Arg71Cys).

NM_032380.5(GFM2):c.211C>T (p.Arg71Cys)

Gene: GFM2 (GTP dependent ribosome recycling factor mitochondrial 2; minus strand). Cytogenetic location: 5q13.3.
Variant type: single nucleotide variant.
Coding change: c.211C>T on transcript NM_032380.5 (MANE Select); coding-DNA position 211, C replaced by T.
Protein change: p.Arg71Cys; replaces arginine 71 with cysteine.
Molecular consequence: missense variant. On other transcripts: non-coding transcript variant (1).
Genome position (GRCh38, 1-based): chr5:74,758,942, G>A on the plus strand (C>T on the coding strand, the complement: GFM2 is on the minus strand). VCF-style: chr5-74758942-G-A. GRCh37 (hg19) VCF-style: chr5-74054767-G-A.
Other names: c.307C>T, p.Arg103Cys (NM_001281302.2); c.211C>T, p.Arg71Cys (NM_170681.3, NM_170691.3); short protein forms R103C, R71C.
Identifiers: ClinVar variation 2184838 (VCV002184838.4), dbSNP rs766244410, ClinGen allele CA3306882.